The following is an entry in ClinVar:

ClinVar aggregate classification (germline): Uncertain significance (1 of 4 stars; one submission).

Submission:

Labcorp Genetics (formerly Invitae), Labcorp
Classification: Uncertain significance. Last evaluated: 2022-08-01. Review status: criteria provided, single submitter. Criteria: Invitae Variant Classification Sherloc (09022015). Collection method: clinical testing. Allele origin: germline.
Comment: Algorithms developed to predict the effect of missense changes on protein structure and function are either unavailable or do not agree on the potential impact of this missense change (SIFT: "Tolerated"; PolyPhen-2: "Possibly Damaging"; Align-GVGD: "Class C15"). This variant has not been reported in the literature in individuals affected with SNX14-related conditions. This variant is not present in population databases (gnomAD no frequency). This sequence change replaces proline, which is neutral and non-polar, with serine, which is neutral and polar, at codon 647 of the SNX14 protein (p.Pro647Ser). In summary, the available evidence is currently insufficient to determine the role of this variant in disease. Therefore, it has been classified as a Variant of Uncertain Significance.

NM_153816.6(SNX14):c.1939C>T (p.Pro647Ser)

Gene: SNX14 (sorting nexin 14; minus strand). Cytogenetic location: 6q14.3.
Variant type: single nucleotide variant.
Coding change: c.1939C>T on transcript NM_153816.6 (MANE Select); coding-DNA position 1939, C replaced by T.
Protein change: p.Pro647Ser; replaces proline 647 with serine.
Molecular consequence: missense variant. On other transcripts: non-coding transcript variant (6).
Genome position (GRCh38, 1-based): chr6:85,528,318, G>A on the plus strand (C>T on the coding strand, the complement: SNX14 is on the minus strand). VCF-style: chr6-85528318-G-A. GRCh37 (hg19) VCF-style: chr6-86238036-G-A.
Other names: c.1912C>T, p.Pro638Ser (NM_001297614.3, NM_001350541.2); c.1783C>T, p.Pro595Ser (NM_001304479.2); c.2002C>T, p.Pro668Ser (NM_001350532.2); c.1936C>T, p.Pro646Ser (NM_001350533.2, NM_001350535.2); c.1909C>T, p.Pro637Ser (NM_001350534.2); c.1807C>T, p.Pro603Ser (NM_001350536.2); c.1804C>T, p.Pro602Ser (NM_001350537.2); c.1795C>T, p.Pro599Ser (NM_001350538.2); and 9 more; short protein forms P499S, P547S, P637S, P638S, P253S, P550S, P551S, P262S.
Identifiers: ClinVar variation 2047228 (VCV002047228.4), dbSNP rs1779123620, ClinGen allele CA364901934.